The following is an entry in ClinVar:

ClinVar aggregate classification (germline): Uncertain significance (1 of 4 stars; one submission).

Conditions:
Cleft lip/palate. Also called: Cleft lip and palate. Identifiers: Orphanet 199306, MedGen C0158646, MONDO:0016044.

Submission:

Broad Center for Mendelian Genomics, Broad Institute of MIT and Harvard
Classification: Uncertain significance for Cleft lip/palate. Last evaluated: 2024-11-25. Review status: criteria provided, single submitter. Criteria: ACMG Guidelines, 2015. Collection method: curation. Allele origin: germline. Inheritance: Autosomal dominant inheritance. Study: GREGoR Consortium.
Comment: While this gene is still lacking sufficient evidence to establish a gene-disease relationship, we believe this is a possible novel gene candidate for cleft lip/palate. Given the limited information about this gene-disease relationship, the significance of the p.Leu177Arg variant is uncertain. If you have any additional information about functional evidence or other individuals with this phenotype that also have variants in NDST1 we encourage you to reach out to us.

NM_001543.5(NDST1):c.530T>G (p.Leu177Arg)

Gene: NDST1 (N-deacetylase and N-sulfotransferase 1; plus strand). Cytogenetic location: 5q33.1.
Variant type: single nucleotide variant.
Coding change: c.530T>G on transcript NM_001543.5 (MANE Select); coding-DNA position 530, T replaced by G.
Protein change: p.Leu177Arg; replaces leucine 177 with arginine.
Molecular consequence: missense variant.
Genome position (GRCh38, 1-based): chr5:150,527,820, T>G. VCF-style: chr5-150527820-T-G. GRCh37 (hg19) VCF-style: chr5-149907382-T-G.
Other names: NM_001301063.2:c.530T>G; c.530T>G, p.Leu177Arg (NM_001301063.2); short protein forms L177R.
Identifiers: ClinVar variation 3383289 (VCV003383289.1).